The following is an entry in ClinVar:

ClinVar aggregate classification (germline): Uncertain significance. Review status: criteria provided, multiple submitters, no conflicts (2 of 4 stars). 2 submissions from 2 submitters: Uncertain significance (2). Last evaluated 2025-10-19.

Conditions:
Epileptic encephalopathy. Identifiers: MedGen C0543888, HP:0200134.

Allele frequency attached by ClinVar (database versions not stated): gnomAD 0.00001; ExAC 0.00002.

Submissions (2):

Labcorp Genetics (formerly Invitae), Labcorp
Classification: Uncertain significance for Epileptic encephalopathy. Last evaluated: 2025-10-19. Review status: criteria provided, single submitter. Criteria: Invitae Variant Classification Sherloc (09022015). Collection method: clinical testing. Allele origin: germline.
Comment: This sequence change replaces methionine, which is neutral and non-polar, with valine, which is neutral and non-polar, at codon 1332 of the FASN protein (p.Met1332Val). The frequency data for this variant in the population databases is considered unreliable, as metrics indicate poor data quality at this position in the gnomAD database. This variant has not been reported in the literature in individuals affected with FASN-related conditions. ClinVar contains an entry for this variant (Variation ID: 2176337). An algorithm developed to predict the effect of missense changes on protein structure and function (PolyPhen-2) suggests that this variant is likely to be tolerated. In summary, the available evidence is currently insufficient to determine the role of this variant in disease. Therefore, it has been classified as a Variant of Uncertain Significance.

Ambry Genetics
Classification: Uncertain significance. Last evaluated: 2024-11-10. Review status: criteria provided, single submitter. Criteria: Ambry Variant Classification Scheme 2023. Collection method: clinical testing. Allele origin: germline.

NM_004104.5(FASN):c.3994A>G (p.Met1332Val)

Gene: FASN (fatty acid synthase; minus strand). Cytogenetic location: 17q25.3.
Variant type: single nucleotide variant.
Coding change: c.3994A>G on transcript NM_004104.5 (MANE Select); coding-DNA position 3994, A replaced by G.
Protein change: p.Met1332Val; replaces methionine 1332 with valine.
Molecular consequence: missense variant.
Genome position (GRCh38, 1-based): chr17:82,085,610, T>C on the plus strand (A>G on the coding strand, the complement: FASN is on the minus strand). VCF-style: chr17-82085610-T-C. GRCh37 (hg19) VCF-style: chr17-80043486-T-C.
Other names: c.3994A>G (NM_004104.4); short protein forms M1332V.
Identifiers: ClinVar variation 2176337 (VCV002176337.5), dbSNP rs777970052, ClinGen allele CA8852229.